The following is an entry in ClinVar:

ClinVar aggregate classification (germline): Uncertain significance (1 of 4 stars; one submission).

Conditions:
Glycogen storage disease, type IV (GSD4). Also called: AMYLOPECTINOSIS; ANDERSEN DISEASE; BRANCHER DEFICIENCY; CIRRHOSIS, FAMILIAL, WITH DEPOSITION OF ABNORMAL GLYCOGEN; GBE1 DEFICIENCY; GLYCOGEN BRANCHING ENZYME DEFICIENCY. Identifiers: Orphanet 367, MedGen C0017923, MONDO:0009292, OMIM 232500.
Glycogen storage disease IV, classic hepatic. Also called: GSD IV, CLASSIC HEPATIC. Identifiers: MedGen C1856301.

Submission:

Labcorp Genetics (formerly Invitae), Labcorp
Classification: Uncertain significance for Glycogen storage disease, type IV; Glycogen storage disease IV, classic hepatic. Last evaluated: 2021-08-11. Review status: criteria provided, single submitter. Criteria: Invitae Variant Classification Sherloc (09022015). Collection method: clinical testing. Allele origin: germline.
Comment: In summary, the available evidence is currently insufficient to determine the role of this variant in disease. Therefore, it has been classified as a Variant of Uncertain Significance. Advanced modeling of protein sequence and biophysical properties (such as structural, functional, and spatial information, amino acid conservation, physicochemical variation, residue mobility, and thermodynamic stability) performed at Invitae indicates that this missense variant is not expected to disrupt GBE1 protein function. This variant has not been reported in the literature in individuals affected with GBE1-related conditions. This variant is not present in population databases (ExAC no frequency). This sequence change replaces serine with threonine at codon 422 of the GBE1 protein (p.Ser422Thr). The serine residue is weakly conserved and there is a small physicochemical difference between serine and threonine.

NM_000158.4(GBE1):c.1264T>A (p.Ser422Thr)

Gene: GBE1 (1,4-alpha-glucan branching enzyme 1; minus strand). Cytogenetic location: 3p12.2.
Variant type: single nucleotide variant.
Coding change: c.1264T>A on transcript NM_000158.4 (MANE Select); coding-DNA position 1264, T replaced by A.
Protein change: p.Ser422Thr; replaces serine 422 with threonine.
Molecular consequence: missense variant.
Genome position (GRCh38, 1-based): chr3:81,586,163, A>T on the plus strand (T>A on the coding strand, the complement: GBE1 is on the minus strand). VCF-style: chr3-81586163-A-T. GRCh37 (hg19) VCF-style: chr3-81635314-A-T.
Other names: short protein forms S422T.
Identifiers: ClinVar variation 1374098 (VCV001374098.6), dbSNP rs2106945255, ClinGen allele CA353685353.